The following is an entry in ClinVar:

NM_001931.5(DLAT):c.412G>T (p.Glu138Ter)

Gene: DLAT (dihydrolipoamide S-acetyltransferase; plus strand). Cytogenetic location: 11q23.1.
Variant type: single nucleotide variant.
Coding change: c.412G>T on transcript NM_001931.5 (MANE Select); coding-DNA position 412, G replaced by T.
Protein change: p.Glu138Ter; replaces glutamic acid 138 with a stop codon.
Molecular consequence: nonsense. On other transcripts: 5 prime UTR variant (1), non-coding transcript variant (1), intron variant (2).
Genome position (GRCh38, 1-based): chr11:112,028,545, G>T. VCF-style: chr11-112028545-G-T. GRCh37 (hg19) VCF-style: chr11-111899269-G-T.
Other names: c.412G>T, p.Glu138Ter (NM_001372031.1, NM_001372032.1, NM_001372033.1 and 3 more transcripts); c.379G>T, p.Glu127Ter (NM_001372034.1); c.286G>T, p.Glu96Ter (NM_001372036.1); c.244G>T, p.Glu82Ter (NM_001372037.1); c.-55G>T (NM_001372042.1); c.381+2246G>T (NM_001372038.1); c.364+2263G>T (NM_001372040.1); short protein forms E138*, E127*, E82*, E96*.
Identifiers: ClinVar variation 2196317 (VCV002196317.6), dbSNP rs781991355, ClinGen allele CA6276664.

ClinVar aggregate classification (germline): Pathogenic. Review status: criteria provided, multiple submitters, no conflicts (2 of 4 stars). 3 submissions from 3 submitters: Pathogenic (3). Last evaluated 2026-02-07.

Conditions:
Pyruvate dehydrogenase E2 deficiency (PDHDD). Also called: LACTIC ACIDEMIA DUE TO DEFECT OF E2 LIPOYL TRANSACETYLASE OF THE PYRUVATE DEHYDROGENASE COMPLEX; Dihydrolipoamide Acetyltransferase (E2) Deficiency. Identifiers: Orphanet 765, Orphanet 79244, MedGen C1855565, MONDO:0009502, OMIM 245348.

Allele frequency attached by ClinVar (database versions not stated): ExAC 0.00002; TOPMed 0.00001; gnomAD exomes 0.00001 and 0.00002.
gnomAD v4.1: 27 of 1,613,848 alleles (0.0017%); highest among the groups gnomAD compares: Non-Finnish European, 0.0022%; no homozygotes.

Submissions (3):

GeneDx
Classification: Pathogenic. Last evaluated: 2026-02-07. Review status: criteria provided, single submitter. Criteria: GeneDx Variant Classification Process June 2021. Collection method: clinical testing. Allele origin: germline.
Comment: Nonsense variant predicted to result in protein truncation or nonsense mediated decay in a gene for which loss of function is a known mechanism of disease; Not observed at significant frequency in large population cohorts (gnomAD); This variant is associated with the following publications: (PMID: 25525159, 38532509, 20022530)

Labcorp Genetics (formerly Invitae), Labcorp
Classification: Pathogenic for Pyruvate dehydrogenase E2 deficiency. Last evaluated: 2025-06-20. Review status: criteria provided, single submitter. Criteria: Invitae Variant Classification Sherloc (09022015). Collection method: clinical testing. Allele origin: germline.
Comment: This sequence change creates a premature translational stop signal (p.Glu138*) in the DLAT gene. It is expected to result in an absent or disrupted protein product. However, the current clinical and genetic evidence is not sufficient to establish whether loss-of-function variants in DLAT cause disease. This variant is present in population databases (rs781991355, gnomAD 0.002%). This premature translational stop signal has been observed in individual(s) with pyruvate dehydrogenase E2 deficiency (PMID: 20022530). In at least one individual the data is consistent with being in trans (on the opposite chromosome) from a pathogenic variant. It has also been observed to segregate with disease in related individuals. ClinVar contains an entry for this variant (Variation ID: 2196317). Algorithms developed to predict the effect of sequence changes on RNA splicing suggest that this variant may disrupt the consensus splice site. For these reasons, this variant has been classified as Pathogenic.

Women's Health and Genetics/Laboratory Corporation of America, LabCorp
Classification: Pathogenic for Pyruvate dehydrogenase E2 deficiency. Last evaluated: 2024-10-17. Review status: criteria provided, single submitter. Criteria: LabCorp Variant Classification Summary - May 2015. Collection method: clinical testing. Allele origin: germline.
Comment: Variant summary: DLAT c.412G>T (p.Glu138X) results in a premature termination codon, predicted to cause a truncation of the encoded protein or absence of the protein due to nonsense mediated decay, which are commonly known mechanisms for disease. The variant allele was found at a frequency of 8e-06 in 251496 control chromosomes (gnomAD). c.412G>T has been reported in the literature in individuals affected with Pyruvate Dehydrogenase E2 Deficiency (example: McWilliam_2009). These data indicate that the variant is likely to be associated with disease. The following publication has been ascertained in the context of this evaluation (PMID: 20022530). ClinVar contains an entry for this variant (Variation ID: 2196317). Based on the evidence outlined above, the variant was classified as pathogenic.

Literature cited by the submitters: PubMed 20022530 (cited by Labcorp Genetics (formerly Invitae), Labcorp and Women's Health and Genetics/Laboratory Corporation of America, LabCorp).